The following is an entry in ClinVar:

ClinVar aggregate classification (germline): Uncertain significance (1 of 4 stars; one submission).

Conditions:
Familial intrahepatic cholestasis. Identifiers: Orphanet 284385, MedGen CN296401, MONDO:0017290.
Low phospholipid associated cholelithiasis (GBD1). Also called: Gallbladder disease 1; Gallstone cholecystitis. Identifiers: Orphanet 69663, MedGen C2609268, MONDO:0010939, OMIM 600803.

Submission:

Genomenon, Inc
Classification: Uncertain significance for Familial intrahepatic cholestasis; Low phospholipid associated cholelithiasis. Last evaluated: 2026-04-14. Review status: criteria provided, single submitter. Criteria: Genomenon Sequence Variant Interpretation Standards - Updated. Collection method: curation. Allele origin: germline. Affected: no.
Comment: ABCB4 p.Gln668His (c.2004G>C) is a missense variant that changes the amino acid at residue 668 from Glutamine to Histidine. This variant has been reported in the published literature (PMID:37208429). It is absent or not present at a significant frequency in gnomAD. In silico models predict that this variant is not damaging. In conclusion, we classify ABCB4 p.Gln668His (c.2004G>C) as a variant of uncertain significance.

Literature cited by the submitters: PubMed 37208429.

NM_000443.4(ABCB4):c.2004G>C (p.Gln668His)

Gene: ABCB4 (ATP binding cassette subfamily B member 4; minus strand). Cytogenetic location: 7q21.12.
Variant type: single nucleotide variant.
Coding change: c.2004G>C on transcript NM_000443.4 (MANE Select); coding-DNA position 2004, G replaced by C.
Protein change: p.Gln668His; replaces glutamine 668 with histidine.
Molecular consequence: missense variant.
Genome position (GRCh38, 1-based): chr7:87,426,810, C>G on the plus strand (G>C on the coding strand, the complement: ABCB4 is on the minus strand). VCF-style: chr7-87426810-C-G. GRCh37 (hg19) VCF-style: chr7-87056126-C-G.
Other names: c.2004G>C, p.Gln668His (NM_018849.3, NM_018850.3); short protein forms Q668H.
Identifiers: ClinVar variation 4846589 (VCV004846589.1).
Genomic context (GRCh38, chr7:87,426,810, plus strand): 5'-AAGTCCATCGGTTTCCACATCAAGGCTCTTCTGACACATTTGTGAATTTTTAAGGTTTTT[C>G]TGAGTAGAATGCCTAAATAGGCGAGATTTCCAGCCATTTGGGGCCATTCTAGTGGCAGCC-3'
Protein context (NP_000434.1, residues 658-678): WKSRLFRHST[Gln668His]KNLKNSQMCQ